The following is an entry in ClinVar:

NM_001365951.3(KIF1B):c.609G>A (p.Arg203=)

Gene: KIF1B (kinesin family member 1B; plus strand). Cytogenetic location: 1p36.22.
Variant type: single nucleotide variant.
Coding change: c.609G>A on transcript NM_001365951.3 (MANE Select); coding-DNA position 609, G replaced by A.
Protein change: p.Arg203=; no amino-acid change (arginine 203 retained).
Molecular consequence: synonymous variant.
Genome position (GRCh38, 1-based): chr1:10,268,152, G>A. VCF-style: chr1-10268152-G-A. GRCh37 (hg19) VCF-style: chr1-10328210-G-A.
Other names: c.609G>A, p.Arg203= (NM_001365952.1, NM_001365953.1, NM_015074.3 and 1 more transcripts).
Identifiers: ClinVar variation 4092322 (VCV004092322.1).
Genomic context (GRCh38, chr1:10,268,152, plus strand): 5'-TCCATTTCAACTCTCATCTAAGAATTCCCTTGTCACGTGGTCACCTTTATGTTTATTTAG[G>A]ACAGTGGCAGCTACAAACATGAATGAAACAAGTAGCCGTTCCCACGCTGTGTTTACGATT-3'
Protein context (NP_001352880.1, residues 193-213): ADLMDAGNKA[Arg203=]TVAATNMNET

ClinVar aggregate classification (germline): Uncertain significance (1 of 4 stars; one submission).

gnomAD v4.1: 2 of 1,609,524 alleles (0.00012%); highest among the groups gnomAD compares: South Asian, 0.0011%; no homozygotes.

Submission:

Ambry Genetics
Classification: Uncertain significance. Last evaluated: 2025-07-02. Review status: criteria provided, single submitter. Criteria: Ambry Variant Classification Scheme 2023. Collection method: clinical testing. Allele origin: germline.
Comment: The c.609G>A variant (also known as p.R203R), located in coding exon 6 of the KIF1B gene, results from a G to A substitution at nucleotide position 609. This nucleotide substitution does not change the arginine at codon 203. However, this change occurs in the first base pair of coding exon 6, which makes it likely to have some effect on normal mRNA splicing. This nucleotide position is well conserved in available vertebrate species. In silico splice site analysis for this alteration is inconclusive. The evidence for this gene-disease relationship is limited; therefore, the clinical significance of this alteration is unclear.